The following is an entry in ClinVar:

ClinVar aggregate classification (germline): Uncertain significance. Review status: criteria provided, multiple submitters, no conflicts (2 of 4 stars). 2 submissions from 2 submitters: Uncertain significance (2). Last evaluated 2024-08-26.

Conditions:
Rahman syndrome. Also called: HIST1H1E Syndrome. Identifiers: Orphanet 642763, MedGen C4479637, MONDO:0044323, OMIM 617537.

Submissions (2):

Laboratorio de Genetica e Diagnostico Molecular, Hospital Israelita Albert Einstein
Classification: Uncertain significance for Rahman syndrome. Last evaluated: 2024-08-26. Review status: criteria provided, single submitter. Criteria: ACMG Guidelines, 2015. Collection method: clinical testing. Allele origin: germline. Affected: yes.
Comment: ACMG classification criteria: PS1 strong, PM2 supporting

Mendelics
Classification: Uncertain significance for Rahman syndrome. Last evaluated: 2019-05-28. Review status: criteria provided, single submitter. Criteria: Mendelics Assertion Criteria 2017. Collection method: clinical testing. Allele origin: unknown.

NM_005321.3(H1-4):c.364_365del (p.Lys122fs)

Gene: H1-4 (H1.4 linker histone, cluster member; plus strand). Cytogenetic location: 6p22.2.
Variant type: Deletion.
Coding change: c.364_365del on transcript NM_005321.3 (MANE Select); coding-DNA positions 364 to 365, 2 bases deleted (AA; older notation c.364_365delAA).
Protein change: p.Lys122fs; shifts the reading frame from lysine 122.
Molecular consequence: frameshift variant.
Genome position (GRCh38, 1-based): chr6:26,156,754-26,156,755, AA deleted; deleting any 2 consecutive bases within chr6:26,156,751-26,156,755 gives the same sequence; the c. name uses the placement nearest the transcript's 3' end. VCF-style (leftmost placement, unchanged base first): chr6-26156750-TAA-T. GRCh37 (hg19) VCF-style: chr6-26156978-TAA-T.
Other names: short protein forms K122fs.
Identifiers: ClinVar variation 801358 (VCV000801358.2), dbSNP rs768525914, ClinGen allele CA915944162.